The following is an entry in ClinVar:

ClinVar aggregate classification (germline): Uncertain significance (1 of 4 stars; one submission).

Conditions:
Ataxia-telangiectasia syndrome (AT). Also called: AT, COMPLEMENTATION GROUP C; Cerebello-oculocutaneous telangiectasia; Immunodeficiency with ataxia telangiectasia; Ataxia-telangiectasia, complementation group D; ATAXIA-TELANGIECTASIA, FRESNO VARIANT; Ataxia-telangiectasia, complementation group E. Identifiers: Orphanet 100, MedGen C0004135, MONDO:0008840, OMIM 208900.

Submission:

Labcorp Genetics (formerly Invitae), Labcorp
Classification: Uncertain significance for Ataxia-telangiectasia syndrome. Last evaluated: 2024-05-01. Review status: criteria provided, single submitter. Criteria: Invitae Variant Classification Sherloc (09022015). Collection method: clinical testing. Allele origin: germline.
Comment: This sequence change replaces glutamine, which is neutral and polar, with histidine, which is basic and polar, at codon 1709 of the ATM protein (p.Gln1709His). This variant is not present in population databases (gnomAD no frequency). This variant has not been reported in the literature in individuals affected with ATM-related conditions. ClinVar contains an entry for this variant (Variation ID: 572516). An algorithm developed to predict the effect of missense changes on protein structure and function (PolyPhen-2) suggests that this variant is likely to be tolerated. In summary, the available evidence is currently insufficient to determine the role of this variant in disease. Therefore, it has been classified as a Variant of Uncertain Significance.

NM_000051.4(ATM):c.5127G>C (p.Gln1709His)

Gene: ATM (ATM serine/threonine kinase; plus strand). Cytogenetic location: 11q22.3.
Variant type: single nucleotide variant.
Coding change: c.5127G>C on transcript NM_000051.4 (MANE Select); coding-DNA position 5127, G replaced by C.
Protein change: p.Gln1709His; replaces glutamine 1709 with histidine.
Molecular consequence: missense variant.
Genome position (GRCh38, 1-based): chr11:108,299,835, G>C. VCF-style: chr11-108299835-G-C. GRCh37 (hg19) VCF-style: chr11-108170562-G-C.
Other names: c.5127G>C, p.Gln1709His (NM_001351834.2); short protein forms Q1709H.
Identifiers: ClinVar variation 572516 (VCV000572516.8), dbSNP rs1057521839, ClinGen allele CA382540889.